The following is an entry in ClinVar:

NM_001031679.3(MSRB3):c.-139C>A

Gene: MSRB3 (methionine sulfoxide reductase B3; plus strand). Cytogenetic location: 12q14.3.
Variant type: single nucleotide variant.
Coding change: c.-139C>A on transcript NM_001031679.3 (MANE Select); 139 bases upstream of the start codon, C replaced by A.
Molecular consequence: 5 prime UTR variant. On other transcripts: synonymous variant (1).
Genome position (GRCh38, 1-based): chr12:65,278,778, C>A. VCF-style: chr12-65278778-C-A. GRCh37 (hg19) VCF-style: chr12-65672558-C-A.
Other names: c.-303C>A (NM_001193460.2); c.10C>A, p.Arg4= (NM_198080.4).
Identifiers: ClinVar variation 226730 (VCV000226730.17), dbSNP rs182726780, ClinGen allele CA6671319.
Genomic context (GRCh38, chr12:65,278,778, plus strand): 5'-GGGAGGGAGGGAGCGAGGTTCGGACACCGGCGGCGGCTGCCTGGCCTTTCCATGAGCCCG[C>A]GGCGGACCCTCCCGCGCCCCCTCTCGCTCTGCCTCTCCCTCTGCCTCTGCCTCTGCCTGG-3'

ClinVar aggregate classification (germline): Benign. Review status: criteria provided, multiple submitters, no conflicts (2 of 4 stars). 4 submissions from 4 submitters: Benign (3). 1 of the submissions does not count toward it. Last evaluated 2026-01-20.

Conditions:
MSRB3-related disorder. Also called: MSRB3-related condition.

Allele frequency attached by ClinVar (database versions not stated): gnomAD 0.00098 and 0.00131; TOPMed 0.00139; 1000 Genomes Project 30x 0.00968; 1000 Genomes Project 0.01038.

Submissions (4):

Labcorp Genetics (formerly Invitae), Labcorp
Classification: Benign. Last evaluated: 2026-01-20. Review status: criteria provided, single submitter. Criteria: Invitae Variant Classification Sherloc (09022015). Collection method: clinical testing. Allele origin: germline.

GeneDx
Classification: Benign. Last evaluated: 2018-05-02. Review status: criteria provided, single submitter. Criteria: GeneDx Variant Classification (06012015). Collection method: clinical testing. Allele origin: germline. Affected: yes.
Comment: This variant is considered likely benign or benign based on one or more of the following criteria: it is a conservative change, it occurs at a poorly conserved position in the protein, it is predicted to be benign by multiple in silico algorithms, and/or has population frequency not consistent with disease.

Laboratory for Molecular Medicine, Mass General Brigham Personalized Medicine
Classification: Benign. Last evaluated: 2014-10-31. Review status: criteria provided, single submitter. Criteria: LMM Criteria. Collection method: clinical testing. Allele origin: germline. Observed: 6 variant alleles.
Comment: p.Arg4Arg in exon 1A of MSRB3: This variant is not expected to have clinical sig nificance because it does not alter an amino acid residue and is not located wit hin the splice consensus sequence. It has been identified in 6.3% (126/2014) of East Asian chromosomes by the Exome Aggregation Consortium (ExAC,, dbSNP rs182726780).

PreventionGenetics, part of Exact Sciences
Classification: Benign for MSRB3-related condition. Last evaluated: 2019-04-12. Review status: no assertion criteria provided. Collection method: clinical testing. Allele origin: germline. Not counted in ClinVar's aggregate classification.
Comment: This variant is classified as benign based on ACMG/AMP sequence variant interpretation guidelines (Richards et al. 2015 PMID: 25741868, with internal and published modifications).